The following is an entry in ClinVar:

ClinVar aggregate classification (germline): Benign (1 of 4 stars; one submission).

Conditions:
Xeroderma pigmentosum variant type. Also called: POLH-Related Xeroderma Pigmentosum; PHOTOSENSITIVITY WITH DEFECTIVE DNA SYNTHESIS; XERODERMA PIGMENTOSUM WITH NORMAL DNA REPAIR RATES. Identifiers: Orphanet 90342, MedGen C1848410, MONDO:0010214, OMIM 278750.

Allele frequency attached by ClinVar (database versions not stated): ExAC 0.01609; 1000 Genomes Project 0.00799; 1000 Genomes Project 30x 0.00843; gnomAD exomes 0.01624 and 0.01802; gnomAD 0.01647 and 0.01678; TOPMed 0.01656; ESP Exome Variant Server 0.02006.
gnomAD v4.1: 9,062 of 516,348 alleles (1.8%); highest among the groups gnomAD compares: Non-Finnish European, 2.7%; 116 homozygotes.

Submission:

Illumina Laboratory Services, Illumina
Classification: Benign for Xeroderma pigmentosum variant type. Last evaluated: 2018-01-12. Review status: criteria provided, single submitter. Criteria: ICSL Variant Classification Criteria 13 December 2019. Collection method: clinical testing. Allele origin: germline.
Comment: This variant was observed in the ICSL laboratory as part of a predisposition screen in an ostensibly healthy population. It had not been previously curated by ICSL or reported in the Human Gene Mutation Database (HGMD: prior to June 1st, 2018), and was therefore a candidate for classification through an automated scoring system. Utilizing variant allele frequency, disease prevalence and penetrance estimates, and inheritance mode, an automated score was calculated to assess if this variant is too frequent to cause the disease. Based on the score and internal cut-off values, a variant classified as benign is not then subjected to further curation. The score for this variant resulted in a classification of benign for this disease.

NM_006502.3(POLH):c.*5697G>A

Gene: POLH (DNA polymerase eta; plus strand). Cytogenetic location: 6p21.1.
Variant type: single nucleotide variant.
Coding change: c.*5697G>A on transcript NM_006502.3 (MANE Select); 5697 bases downstream of the stop codon, G replaced by A.
Molecular consequence: 3 prime UTR variant.
Genome position (GRCh38, 1-based): chr6:43,620,254, G>A. VCF-style: chr6-43620254-G-A. GRCh37 (hg19) VCF-style: chr6-43587991-G-A.
Other names: c.*5697G>A (NM_001291969.2); c.*6523G>A (NM_001291970.2).
Identifiers: ClinVar variation 357013 (VCV000357013.7), dbSNP rs113410952, ClinGen allele CA3827379.